The following is an entry in ClinVar:

NM_004086.3(COCH):c.*625T>C

Gene: COCH (cochlin; plus strand). Cytogenetic location: 14q12.
Variant type: single nucleotide variant.
Coding change: c.*625T>C on transcript NM_004086.3 (MANE Select); 625 bases downstream of the stop codon, T replaced by C.
Molecular consequence: 3 prime UTR variant.
Genome position (GRCh38, 1-based): chr14:30,890,416, T>C. VCF-style: chr14-30890416-T-C. GRCh37 (hg19) VCF-style: chr14-31359622-T-C.
Other names: c.*625T>C (NM_001135058.2, NM_001347720.2).
Identifiers: ClinVar variation 883576 (VCV000883576.4), dbSNP rs143467211, ClinGen allele CA258544624.

ClinVar aggregate classification (germline): Likely benign (1 of 4 stars; one submission).

Conditions:
Autosomal dominant nonsyndromic hearing loss 9. Identifiers: Orphanet 90635, MedGen C1832425, MONDO:0011058, OMIM 601369.

Allele frequency attached by ClinVar (database versions not stated): gnomAD exomes 0.00012; gnomAD 0.00141 and 0.00149; TOPMed 0.00155; 1000 Genomes Project 30x 0.00250; 1000 Genomes Project 0.00260.
gnomAD v4.1: 322 of 980,638 alleles (0.033%); highest among the groups gnomAD compares: African/African-American, 0.52%; 1 homozygote.

Submission:

Illumina Laboratory Services, Illumina
Classification: Likely benign for Autosomal dominant nonsyndromic hearing loss 9. Last evaluated: 2018-01-13. Review status: criteria provided, single submitter. Criteria: ICSL Variant Classification Criteria 13 December 2019. Collection method: clinical testing. Allele origin: germline.
Comment: This variant was observed in the ICSL laboratory as part of a predisposition screen in an ostensibly healthy population. It had not been previously curated by ICSL or reported in the Human Gene Mutation Database (HGMD: prior to June 1st, 2018), and was therefore a candidate for classification through an automated scoring system. Utilizing variant allele frequency, disease prevalence and penetrance estimates, and inheritance mode, an automated score was calculated to assess if this variant is too frequent to cause the disease. Based on the score and internal cut-off values, a variant classified as likely benign is not then subjected to further curation. The score for this variant resulted in a classification of likely benign for this disease.